The following is an entry in ClinVar:

NM_003995.4(NPR2):c.493C>T (p.Arg165Cys)

Gene: NPR2 (natriuretic peptide receptor 2; plus strand). Cytogenetic location: 9p13.3.
Variant type: single nucleotide variant.
Coding change: c.493C>T on transcript NM_003995.4 (MANE Select); coding-DNA position 493, C replaced by T.
Protein change: p.Arg165Cys; replaces arginine 165 with cysteine.
Molecular consequence: missense variant.
Genome position (GRCh38, 1-based): chr9:35,792,901, C>T. VCF-style: chr9-35792901-C-T. GRCh37 (hg19) VCF-style: chr9-35792898-C-T.
Other names: c.493C>T, p.Arg165Cys (NM_001378923.1); c.493C>T (NM_003995.3); short protein forms R165C.
Identifiers: ClinVar variation 2165967 (VCV002165967.7), dbSNP rs995457759, ClinGen allele CA192760846.

ClinVar aggregate classification (germline): Uncertain significance. Review status: criteria provided, multiple submitters, no conflicts (2 of 4 stars). 2 submissions from 2 submitters: Uncertain significance (2). Last evaluated 2025-12-02.

Conditions:
Acromesomelic dysplasia 1, Maroteaux type (AMD1). Also called: ACROMESOMELIC DYSPLASIA 1; ST. HELENA DYSPLASIA. Identifiers: Orphanet 40, MedGen C1864356, MONDO:0011275, OMIM 602875.
Tall stature-scoliosis-macrodactyly of the great toes syndrome. Also called: Epiphyseal chondrodysplasia, miura type. Identifiers: Orphanet 329191, MedGen C4014690, MONDO:0014401, OMIM 615923.
Inborn genetic diseases. Identifiers: MedGen C0950123, MeSH D030342.

Allele frequency attached by ClinVar (database versions not stated): gnomAD 0.00001; gnomAD exomes 0.00001.
gnomAD v4.1: 12 of 1,613,984 alleles (0.00074%); highest among the groups gnomAD compares: Admixed American, 0.0017%; no homozygotes.

Submissions (2):

Ambry Genetics
Classification: Uncertain significance for Inborn genetic diseases. Last evaluated: 2025-12-02. Review status: criteria provided, single submitter. Criteria: Ambry Variant Classification Scheme 2023. Collection method: clinical testing. Allele origin: germline.

Labcorp Genetics (formerly Invitae), Labcorp
Classification: Uncertain significance for Tall stature-scoliosis-macrodactyly of the great toes syndrome; Acromesomelic dysplasia 1, Maroteaux type. Last evaluated: 2024-01-11. Review status: criteria provided, single submitter. Criteria: Invitae Variant Classification Sherloc (09022015). Collection method: clinical testing. Allele origin: germline.
Comment: This sequence change replaces arginine, which is basic and polar, with cysteine, which is neutral and slightly polar, at codon 165 of the NPR2 protein (p.Arg165Cys). This variant is present in population databases (no rsID available, gnomAD 0.0009%). This variant has not been reported in the literature in individuals affected with NPR2-related conditions. ClinVar contains an entry for this variant (Variation ID: 2165967). Advanced modeling of protein sequence and biophysical properties (such as structural, functional, and spatial information, amino acid conservation, physicochemical variation, residue mobility, and thermodynamic stability) performed at Invitae indicates that this missense variant is not expected to disrupt NPR2 protein function with a negative predictive value of 80%. In summary, the available evidence is currently insufficient to determine the role of this variant in disease. Therefore, it has been classified as a Variant of Uncertain Significance.